The following is an entry in ClinVar:

ClinVar aggregate classification (germline): Uncertain significance (1 of 4 stars; one submission).

Conditions:
MSL3-related disorder. Also called: MSL3-related condition.

gnomAD v4.1: 2 of 1,167,205 alleles (0.00017%); no homozygotes.

Submission:

PreventionGenetics, part of Exact Sciences
Classification: Uncertain significance for MSL3-related condition. Last evaluated: 2023-03-07. Review status: criteria provided, single submitter. Criteria: ACMG Guidelines, 2015. Collection method: clinical testing. Allele origin: germline.
Comment: The MSL3 c.20C>T variant is predicted to result in the amino acid substitution p.Pro7Leu. To our knowledge, this variant has not been reported in the literature or in a large population database, indicating this variant is rare. At this time, the clinical significance of this variant is uncertain due to the absence of conclusive functional and genetic evidence.

NM_078629.4(MSL3):c.102+362C>T

Gene: MSL3 (MSL complex subunit 3; plus strand). Cytogenetic location: Xp22.2.
Variant type: single nucleotide variant.
Coding change: c.102+362C>T on transcript NM_078629.4 (MANE Select); 362 bases into the intron after coding-DNA position 102, C replaced by T.
Molecular consequence: intron variant. On other transcripts: missense variant (1).
Genome position (GRCh38, 1-based): chrX:11,758,727, C>T. VCF-style: chrX-11758727-C-T. GRCh37 (hg19) VCF-style: chrX-11776846-C-T.
Other names: c.20C>T, p.Pro7Leu (NM_001193270.2); c.-263+362C>T (NM_001282174.1); c.102+362C>T (NM_078628.2); short protein forms P7L.
Identifiers: ClinVar variation 2630227 (VCV002630227.1), dbSNP rs1601764289, ClinGen allele CA412062444.
Genomic context (GRCh38, chrX:11,758,727, plus strand): 5'-GGGAGGAGGCTTCTCGAATACGGTTTCTGTCTTCGCGTTAAATGTCTCCTTCTGTGCGGC[C>T]TGGTGCCGGGTGGGCTCCTGTGGGACGCCCTGGCCGTCCGATCCAGGTTCTAATTCATAG-3'